The following is an entry in ClinVar:

ClinVar aggregate classification (germline): Uncertain significance (1 of 4 stars; one submission).

Submission:

OLLIN Analises Genomicas, OLLIN
Classification: Uncertain significance. Last evaluated: 2026-08-06. Review status: criteria provided, single submitter. Criteria: ACMG Guidelines 2015 PMID 25741868. Collection method: clinical testing. Allele origin: germline.
Comment: This frameshift variant, located in exon 5 (of 21), is absent from gnomAD and ClinVar and has not been identified in the literature. This variant causes a frameshift and introduces a premature stop codon, which is predicted to result in either a truncated protein or degradation of the mRNA via nonsense-mediated decay (NMD). According to the currently available evidence, this variant has been classified as uncertain significance (PVS1_S, PM2_P).

NM_017752.3(TBC1D8B):c.657_663dup (p.Val222fs)

Gene: TBC1D8B (TBC1 domain family member 8B; plus strand). Cytogenetic location: Xq22.3.
Variant type: Duplication.
Coding change: c.657_663dup on transcript NM_017752.3 (MANE Select); coding-DNA positions 657 to 663, 7 bases duplicated (TATTCAC; older notation c.657_663dupTATTCAC).
Protein change: p.Val222fs; shifts the reading frame from valine 222.
Molecular consequence: frameshift variant.
Genome position (GRCh38, 1-based): chrX:106,823,296-106,823,302, TATTCAC duplicated. VCF-style (leftmost placement, unchanged base first): chrX-106823295-G-GTATTCAC. GRCh37 (hg19) VCF-style: chrX-106066525-G-GTATTCAC.
Other names: c.657_663dup, p.Val222fs (NM_001441214.1, NM_198881.2); c.363_369dup, p.Val124fs (NM_001441215.1); short protein forms V124fs, V222fs.
Identifiers: ClinVar variation 5003083 (VCV005003083.1).